The following is an entry in ClinVar:

ClinVar aggregate classification (germline): Uncertain significance (1 of 4 stars; one submission).

Submission:

Labcorp Genetics (formerly Invitae), Labcorp
Classification: Uncertain significance. Last evaluated: 2024-12-26. Review status: criteria provided, single submitter. Criteria: Invitae Variant Classification Sherloc (09022015). Collection method: clinical testing. Allele origin: germline.
Comment: This sequence change replaces valine, which is neutral and non-polar, with glycine, which is neutral and non-polar, at codon 472 of the ADGRV1 protein (p.Val472Gly). This variant is not present in population databases (gnomAD no frequency). This variant has not been reported in the literature in individuals affected with ADGRV1-related conditions. Invitae Evidence Modeling of protein sequence and biophysical properties (such as structural, functional, and spatial information, amino acid conservation, physicochemical variation, residue mobility, and thermodynamic stability) indicates that this missense variant is not expected to disrupt ADGRV1 protein function with a negative predictive value of 95%. In summary, the available evidence is currently insufficient to determine the role of this variant in disease. Therefore, it has been classified as a Variant of Uncertain Significance.

NM_032119.4(ADGRV1):c.1415T>G (p.Val472Gly)

Gene: ADGRV1 (adhesion G protein-coupled receptor V1; plus strand). Cytogenetic location: 5q14.3.
Variant type: single nucleotide variant.
Coding change: c.1415T>G on transcript NM_032119.4 (MANE Select); coding-DNA position 1415, T replaced by G.
Protein change: p.Val472Gly; replaces valine 472 with glycine.
Molecular consequence: missense variant. On other transcripts: non-coding transcript variant (1).
Genome position (GRCh38, 1-based): chr5:90,628,738, T>G. VCF-style: chr5-90628738-T-G. GRCh37 (hg19) VCF-style: chr5-89924555-T-G.
Other names: short protein forms V472G.
Identifiers: ClinVar variation 3664635 (VCV003664635.2).